The following is an entry in ClinVar:

NM_000551.4(VHL):c.584A>C (p.Gln195Pro)

Genes: VHL (von Hippel-Lindau tumor suppressor; plus strand), LOC107303340 (3p25 von Hippel-Lindau tumor suppressor, E3 ubiquitin protein ligase Alu-mediated recombination region; plus strand). Cytogenetic location: 3p25.3.
Variant type: single nucleotide variant.
Coding change: c.584A>C on transcript NM_000551.4 (MANE Select); coding-DNA position 584, A replaced by C.
Protein change: p.Gln195Pro; replaces glutamine 195 with proline.
Molecular consequence: missense variant. On other transcripts: 3 prime UTR variant (1).
Genome position (GRCh38, 1-based): chr3:10,149,907, A>C. VCF-style: chr3-10149907-A-C. GRCh37 (hg19) VCF-style: chr3-10191591-A-C.
Other names: c.*138A>C (NM_001354723.2); c.461A>C, p.Gln154Pro (NM_198156.3); short protein forms Q154P, Q195P.
Identifiers: ClinVar variation 1932822 (VCV001932822.5), dbSNP rs2470171278, ClinGen allele CA351756493.

ClinVar aggregate classification (germline): Uncertain significance (1 of 4 stars; one submission).

Conditions:
Chuvash polycythemia. Also called: POLYCYTHEMIA, VHL-DEPENDENT. Identifiers: Orphanet 238557, MedGen C1837915, MONDO:0009892, OMIM 263400.
Von Hippel-Lindau syndrome (VHLS). Also called: von Hippel–Lindau syndrome; Von Hippel-Lindau; VHL syndrome. Identifiers: Orphanet 892, MedGen C0019562, MONDO:0008667, OMIM 193300. Disease mechanism: loss of function.

Allele frequency attached by ClinVar (database versions not stated): gnomAD exomes below 0.00001.
gnomAD v4.1: 2 of 1,614,242 alleles (0.00012%); highest among the groups gnomAD compares: Non-Finnish European, 0.00017%; no homozygotes.

Submission:

Labcorp Genetics (formerly Invitae), Labcorp
Classification: Uncertain significance for Von Hippel-Lindau syndrome; Chuvash polycythemia. Last evaluated: 2024-03-01. Review status: criteria provided, single submitter. Criteria: Invitae Variant Classification Sherloc (09022015). Collection method: clinical testing. Allele origin: germline.
Comment: This sequence change replaces glutamine, which is neutral and polar, with proline, which is neutral and non-polar, at codon 195 of the VHL protein (p.Gln195Pro). This variant is not present in population databases (gnomAD no frequency). This variant has not been reported in the literature in individuals affected with VHL-related conditions. ClinVar contains an entry for this variant (Variation ID: 1932822). Advanced modeling of protein sequence and biophysical properties (such as structural, functional, and spatial information, amino acid conservation, physicochemical variation, residue mobility, and thermodynamic stability) has been performed at Invitae for this missense variant, however the output from this modeling did not meet the statistical confidence thresholds required to predict the impact of this variant on VHL protein function. In summary, the available evidence is currently insufficient to determine the role of this variant in disease. Therefore, it has been classified as a Variant of Uncertain Significance.